The following is an entry in ClinVar:

ClinVar aggregate classification (germline): Likely benign. Review status: criteria provided, multiple submitters, no conflicts (2 of 4 stars). 3 submissions from 3 submitters: Likely benign (3). Last evaluated 2026-08-01.

Conditions:
Cardiovascular phenotype. Identifiers: MedGen CN230736.
Autosomal recessive limb-girdle muscular dystrophy type 2J (LGMDR10). Also called: Limb-girdle muscular dystrophy, type 2J; MUSCULAR DYSTROPHY, LIMB-GIRDLE, AUTOSOMAL RECESSIVE 10. Identifiers: Orphanet 140922, MedGen C1837342, MONDO:0012127, OMIM 608807.
Dilated cardiomyopathy 1G (CMD1G). Identifiers: Orphanet 154, MedGen C1858763, MONDO:0011400, OMIM 604145.

Allele frequency attached by ClinVar (database versions not stated): TOPMed below 0.00001; gnomAD exomes 0.00001; ExAC 0.00002.
gnomAD v4.1: 5 of 1,613,610 alleles (0.00031%); highest among the groups gnomAD compares: Non-Finnish European, 0.00042%; no homozygotes.

Submissions (3):

CeGaT Center for Human Genetics Tuebingen
Classification: Likely benign. Last evaluated: 2026-08-01. Review status: criteria provided, single submitter. Criteria: CeGaT Center For Human Genetics Tuebingen Variant Classification Criteria Version 2. Collection method: clinical testing. Allele origin: germline. Affected: yes. Observed: 1 variant allele.
Comment: TTN: BP4, BP7

Ambry Genetics
Classification: Likely benign for Cardiovascular phenotype. Last evaluated: 2026-05-18. Review status: criteria provided, single submitter. Criteria: Ambry Variant Classification Scheme 2023. Collection method: clinical testing. Allele origin: germline.

Labcorp Genetics (formerly Invitae), Labcorp
Classification: Likely benign for Dilated cardiomyopathy 1G; Autosomal recessive limb-girdle muscular dystrophy type 2J. Last evaluated: 2022-10-04. Review status: criteria provided, single submitter. Criteria: Invitae Variant Classification Sherloc (09022015). Collection method: clinical testing. Allele origin: germline.

NM_001267550.2(TTN):c.87453T>A (p.Thr29151=)

Genes: TTN (titin; minus strand), TTN-AS1 (TTN antisense RNA 1; plus strand). Cytogenetic location: 2q31.2.
Variant type: single nucleotide variant.
Coding change: c.87453T>A on transcript NM_001267550.2 (MANE Select); coding-DNA position 87453, T replaced by A.
Protein change: p.Thr29151=; no amino-acid change (threonine 29151 retained).
Molecular consequence: synonymous variant.
Genome position (GRCh38, 1-based): chr2:178,557,901, A>T on the plus strand (T>A on the coding strand, the complement: TTN is on the minus strand). VCF-style: chr2-178557901-A-T. GRCh37 (hg19) VCF-style: chr2-179422628-A-T.
Other names: c.82530T>A, p.Thr27510= (NM_001256850.1); c.60258T>A, p.Thr20086= (NM_003319.4); c.79749T>A, p.Thr26583= (NM_133378.4); c.60633T>A, p.Thr20211= (NM_133432.3); c.60834T>A, p.Thr20278= (NM_133437.4).
Identifiers: ClinVar variation 413076 (VCV000413076.10), dbSNP rs755805590, ClinGen allele CA1988316.
Genomic context (GRCh38, chr2:178,557,901, plus strand): 5'-GGTAACTTGACTTCCACCGTCATACTTAGGTGGCTCCCATTTGAGAGTCACACTTTCTTC[A>T]GTTATATCACTAATAACAACAGGGCCAGTTGGAGGACCAGGCCTGTCTAGCACAACAATG-3'
Protein context (NP_001254479.2, residues 29141-29161): PTGPVVISDI[Thr29151=]EESVTLKWEP